The following is an entry in ClinVar:

ClinVar aggregate classification (germline): Likely pathogenic (1 of 4 stars; one submission).

Conditions:
Autosomal dominant nonsyndromic hearing loss 15 (DFNA15). Also called: DEAFNESS, AUTOSOMAL DOMINANT 52; Autosomal dominant nonsyndromic hearing loss 52. Identifiers: Orphanet 90635, MedGen C1865366, MONDO:0011226, OMIM 602459.

Submission:

Institute of Rare Diseases, West China Hospital, Sichuan University
Classification: Likely pathogenic for Autosomal dominant nonsyndromic hearing loss 15. Last evaluated: 2025-01-09. Review status: criteria provided, single submitter. Criteria: ClinGen HL ACMG Specifications v1. Collection method: research. Allele origin: germline. Affected: yes.
Comment: PM1;PM2_Supporting;PP1_Strong;PM4

NM_002700.3(POU4F3):c.608_610dup (p.Val203_Thr204insMet)

Genes: RBM27-POU4F3 (RBM27-POU4F3 readthrough; plus strand), POU4F3 (POU class 4 homeobox 3; plus strand). Cytogenetic location: 5q32.
Variant type: Duplication.
Coding change: c.608_610dup on transcript NM_002700.3 (MANE Select); coding-DNA positions 608 to 610, 3 bases duplicated (TGA; older notation c.608_610dupTGA).
Protein change: p.Val203_Thr204insMet.
Molecular consequence: 3 prime UTR variant (on NM_001414499.1).
Genome position (GRCh38, 1-based): chr5:146,340,035-146,340,037, TGA duplicated. VCF-style (leftmost placement, unchanged base first): chr5-146340034-G-GTGA. GRCh37 (hg19) VCF-style: chr5-145719597-G-GTGA.
Other names: c.*477_*479dup (NM_001414499.1).
Identifiers: ClinVar variation 3601697 (VCV003601697.1).